The following is an entry in ClinVar:

ClinVar aggregate classification (germline): Conflicting classifications of pathogenicity. Review status: criteria provided, conflicting classifications (1 of 4 stars). 13 submissions from 13 submitters: Uncertain significance (3); Benign (2); Likely benign (6). 2 of the submissions do not count toward it. Last evaluated 2026-01-27.

Conditions:
BLM-related disorder. Also called: BLM-related condition.
Hereditary cancer-predisposing syndrome. Also called: Tumor predisposition; Hereditary Cancer Syndrome; Neoplastic Syndromes, Hereditary; Hereditary neoplastic syndrome. Identifiers: Orphanet 140162, MedGen C0027672, MeSH D009386, MONDO:0015356.
Bloom syndrome (BLM). Also called: Bloom-Torre-Machacek syndrome. Identifiers: Orphanet 125, MedGen C0005859, MONDO:0008876, OMIM 210900.

Allele frequency attached by ClinVar (database versions not stated): gnomAD exomes 0.00026 and 0.00047; TOPMed 0.00029; ESP Exome Variant Server 0.00031; gnomAD 0.00032; ExAC 0.00035.
gnomAD v4.1: 451 of 1,604,568 alleles (0.028%); highest among the groups gnomAD compares: Non-Finnish European, 0.006%; 2 homozygotes.

Submissions (13):

Labcorp Genetics (formerly Invitae), Labcorp
Classification: Benign for Bloom syndrome. Last evaluated: 2026-01-27. Review status: criteria provided, single submitter. Criteria: Invitae Variant Classification Sherloc (09022015). Collection method: clinical testing. Allele origin: germline.

CeGaT Center for Human Genetics Tuebingen
Classification: Likely benign. Last evaluated: 2025-11-01. Review status: criteria provided, single submitter. Criteria: CeGaT Center For Human Genetics Tuebingen Variant Classification Criteria Version 2. Collection method: clinical testing. Allele origin: germline. Affected: yes. Observed: 1 variant allele.
Comment: BLM: BS2

Quest Diagnostics Nichols Institute San Juan Capistrano
Classification: Benign. Last evaluated: 2022-12-19. Review status: criteria provided, single submitter. Criteria: Quest Diagnostics criteria. Collection method: clinical testing. Allele origin: unknown.

Women's Health and Genetics/Laboratory Corporation of America, LabCorp
Classification: Likely benign. Last evaluated: 2021-12-14. Review status: criteria provided, single submitter. Criteria: LabCorp Variant Classification Summary - May 2015. Collection method: clinical testing. Allele origin: germline.
Comment: Variant summary: BLM c.3041A>G (p.His1014Arg) results in a non-conservative amino acid change located in the Helicase, C-terminal domain (IPR001650) of the encoded protein sequence. Three of five in-silico tools predict a benign effect of the variant on protein function. The variant allele was found at a frequency of 0.00043 in 280338 control chromosomes, predominantly at a frequency of 0.0097 within the Ashkenazi Jewish subpopulation in the gnomAD database. The observed variant frequency within Ashkenazi Jewish control individuals in the gnomAD database is approximately 3 fold of the estimated maximal expected allele frequency for a pathogenic variant in BLM causing Bloom Syndrome phenotype (0.0035), strongly suggesting that the variant is a benign polymorphism found primarily in populations of Ashkenazi Jewish origin. c.3041A>G has been reported in the literature in one individual who had genetic testing with a hereditary cancer panel (Tsaousis_2019). The report does not provide unequivocal conclusions about association of the variant with Bloom Syndrome. At least one functional study reports experimental evidence evaluating an impact on protein function and showed no damaging effect of this variant (Mirzaei_2012). Seven ClinVar submitters (evaluation after 2014) cite the variant as uncertain significance (n=3), likely benign (n=3) and benign (n=1). Based on the evidence outlined above, the variant was classified as likely benign.

Sema4
Classification: Likely benign for Hereditary cancer-predisposing syndrome. Last evaluated: 2021-06-03. Review status: criteria provided, single submitter. Criteria: Sema4 Curation Guidelines. Collection method: curation. Allele origin: germline.

GeneDx
Classification: Uncertain significance. Last evaluated: 2019-10-04. Review status: criteria provided, single submitter. Criteria: GeneDx Variant Classification Process June 2021. Collection method: clinical testing. Allele origin: germline. Affected: yes.
Comment: In silico analysis, which includes protein predictors and evolutionary conservation, supports a deleterious effect; Has not been previously published as pathogenic or benign in association with a neurodevelopmental phenotype to our knowledge; This variant is associated with the following publications: (PMID: 23129629, 31159747, 28805986)

Ambry Genetics
Classification: Likely benign for Hereditary cancer-predisposing syndrome. Last evaluated: 2018-09-11. Review status: criteria provided, single submitter. Criteria: Ambry Variant Classification Scheme 2023. Collection method: clinical testing. Allele origin: germline.

GeneKor MSA
Classification: Likely benign for Hereditary cancer-predisposing syndrome. Last evaluated: 2018-08-01. Review status: criteria provided, single submitter. Criteria: ACMG Guidelines, 2015. Collection method: clinical testing. Allele origin: germline. Affected: yes.

Mendelics
Classification: Uncertain significance for Bloom syndrome. Last evaluated: 2018-07-02. Review status: criteria provided, single submitter. Criteria: Mendelics Assertion Criteria 2017. Collection method: clinical testing. Allele origin: unknown.

Genetic Services Laboratory, University of Chicago
Classification: Likely benign. Last evaluated: 2018-06-19. Review status: criteria provided, single submitter. Criteria: ACMG Guidelines, 2015. Collection method: clinical testing. Allele origin: germline. Affected: no.

Illumina Laboratory Services, Illumina
Classification: Uncertain significance for Bloom syndrome. Last evaluated: 2017-04-27. Review status: criteria provided, single submitter. Criteria: ICSL Variant Classification Criteria 13 December 2019. Collection method: clinical testing. Allele origin: germline.
Comment: This variant was observed as part of a predisposition screen in an ostensibly healthy population. A literature search was performed for the gene, cDNA change, and amino acid change (where applicable). Publications were found based on this search. However, the evidence from the literature, in combination with allele frequency data from public databases where available, was not sufficient to rule this variant in or out of causing disease. Therefore, this variant is classified as a variant of unknown significance.

Natera, Inc.
Classification: Likely benign for Bloom syndrome. Last evaluated: 2019-08-05. Review status: no assertion criteria provided. Collection method: clinical testing. Allele origin: germline. Not counted in ClinVar's aggregate classification.

PreventionGenetics, part of Exact Sciences
Classification: Likely benign for BLM-related condition. Last evaluated: 2019-03-20. Review status: no assertion criteria provided. Collection method: clinical testing. Allele origin: germline. Not counted in ClinVar's aggregate classification.
Comment: This variant is classified as likely benign based on ACMG/AMP sequence variant interpretation guidelines (Richards et al. 2015 PMID: 25741868, with internal and published modifications).

Literature cited by the submitters: PubMed 23129629 (cited by 4 submitters); PubMed 31159747 (cited by Quest Diagnostics Nichols Institute San Juan Capistrano and Women's Health and Genetics/Laboratory Corporation of America, LabCorp); PubMed 28805986 (cited by Quest Diagnostics Nichols Institute San Juan Capistrano).

NM_000057.4(BLM):c.3041A>G (p.His1014Arg)

Gene: BLM (BLM RecQ like helicase; plus strand). Cytogenetic location: 15q26.1.
Variant type: single nucleotide variant.
Coding change: c.3041A>G on transcript NM_000057.4 (MANE Select); coding-DNA position 3041, A replaced by G.
Protein change: p.His1014Arg; replaces histidine 1014 with arginine.
Molecular consequence: missense variant.
Genome position (GRCh38, 1-based): chr15:90,794,188, A>G. VCF-style: chr15-90794188-A-G. GRCh37 (hg19) VCF-style: chr15-91337418-A-G.
Other names: c.3041A>G, p.His1014Arg (NM_001287246.2, NM_001287247.2); c.1916A>G, p.His639Arg (NM_001287248.2); short protein forms H1014R, H639R.
Identifiers: ClinVar variation 236810 (VCV000236810.36), dbSNP rs145022945, ClinGen allele CA7738930.
Genomic context (GRCh38, chr15:90,794,188, plus strand): 5'-CCTATAAGTATGTCTTACTATAGTCTTCATCTCTTTTAGTGGAAAAAGATGGAAACCATC[A>G]TACAAGAGAAACTCACTTCAATAATTTGTATAGCATGGTACATTACTGTGAAAATATAAC-3'
Protein context (NP_000048.1, residues 1004-1024): LIMMEKDGNH[His1014Arg]TRETHFNNLY